The following is an entry in ClinVar:

NM_002047.4(GARS1):c.1810T>G (p.Phe604Val)

Gene: GARS1 (glycyl-tRNA synthetase 1; plus strand). Cytogenetic location: 7p14.3.
Variant type: single nucleotide variant.
Coding change: c.1810T>G on transcript NM_002047.4 (MANE Select); coding-DNA position 1810, T replaced by G.
Protein change: p.Phe604Val; replaces phenylalanine 604 with valine.
Molecular consequence: missense variant.
Genome position (GRCh38, 1-based): chr7:30,631,448, T>G. VCF-style: chr7-30631448-T-G. GRCh37 (hg19) VCF-style: chr7-30671064-T-G.
Other names: c.1648T>G, p.Phe550Val (NM_001316772.1); short protein forms F604V, F550V.
Identifiers: ClinVar variation 3665851 (VCV003665851.3).

ClinVar aggregate classification (germline): Uncertain significance. Review status: criteria provided, multiple submitters, no conflicts (2 of 4 stars). 2 submissions from 2 submitters: Uncertain significance (2). Last evaluated 2025-05-19.

Conditions:
Charcot-Marie-Tooth disease type 2. Also called: Charcot-Marie-Tooth type 2. Identifiers: Orphanet 64746, MedGen C0270914, MONDO:0018993.

gnomAD v4.1: 5 of 1,611,530 alleles (0.00031%); highest among the groups gnomAD compares: Middle Eastern, 0.016%; no homozygotes.

Submissions (2):

Ambry Genetics
Classification: Uncertain significance. Last evaluated: 2025-05-19. Review status: criteria provided, single submitter. Criteria: Ambry Variant Classification Scheme 2023. Collection method: clinical testing. Allele origin: germline.

Labcorp Genetics (formerly Invitae), Labcorp
Classification: Uncertain significance for Charcot-Marie-Tooth disease type 2. Last evaluated: 2024-07-19. Review status: criteria provided, single submitter. Criteria: Invitae Variant Classification Sherloc (09022015). Collection method: clinical testing. Allele origin: germline.
Comment: This sequence change replaces phenylalanine, which is neutral and non-polar, with valine, which is neutral and non-polar, at codon 604 of the GARS protein (p.Phe604Val). This variant is present in population databases (no rsID available, gnomAD 0.06%). This variant has not been reported in the literature in individuals affected with GARS-related conditions. Advanced modeling of protein sequence and biophysical properties (such as structural, functional, and spatial information, amino acid conservation, physicochemical variation, residue mobility, and thermodynamic stability) performed at Invitae indicates that this missense variant is not expected to disrupt GARS protein function with a negative predictive value of 80%. In summary, the available evidence is currently insufficient to determine the role of this variant in disease. Therefore, it has been classified as a Variant of Uncertain Significance.